The following is an entry in ClinVar:

NM_000260.4(MYO7A):c.6439-2A>G

Gene: MYO7A (myosin VIIA; plus strand). Cytogenetic location: 11q13.5.
Variant type: single nucleotide variant.
Coding change: c.6439-2A>G on transcript NM_000260.4 (MANE Select); the canonical splice acceptor site of the intron before coding-DNA position 6439, A replaced by G.
Molecular consequence: splice acceptor variant.
Genome position (GRCh38, 1-based): chr11:77,213,858, A>G. VCF-style: chr11-77213858-A-G. GRCh37 (hg19) VCF-style: chr11-76924903-A-G.
Other names: c.6292-2A>G (NM_001369365.1); c.6319-2A>G (NM_001127180.2).
Identifiers: ClinVar variation 43329 (VCV000043329.26), dbSNP rs397516330, ClinGen allele CA278710.

ClinVar aggregate classification (germline): Pathogenic/Likely pathogenic. Review status: criteria provided, multiple submitters, no conflicts (2 of 4 stars). 11 submissions from 11 submitters: Pathogenic (8); Likely pathogenic (2). 1 of the submissions does not count toward it. Last evaluated 2026-08-19.

Conditions:
MYO7A-related disorder. Also called: MYO7A-related disorders.
Rare genetic deafness. Identifiers: Orphanet 96210, MedGen C5680250.
Autosomal recessive nonsyndromic hearing loss 2. Also called: DEAFNESS, AUTOSOMAL RECESSIVE 2; NEUROSENSORY NONSYNDROMIC RECESSIVE DEAFNESS 2. Identifiers: Orphanet 90636, MedGen C1838701, MONDO:0010807, OMIM 600060.
Usher syndrome type 1 (USH1). Also called: RETINITIS PIGMENTOSA AND CONGENITAL DEAFNESS. Identifiers: Orphanet 231169, Orphanet 886, MedGen C1568247, MONDO:0010168, OMIM 276900.
Retinal dystrophy. Also called: Inherited retinal dystrophy. Identifiers: Orphanet 71862, MedGen C0854723, MeSH D058499, MONDO:0019118, HP:0000556.
Autosomal dominant nonsyndromic hearing loss 11. Identifiers: Orphanet 90635, MedGen C1832475, MONDO:0011032, OMIM 601317.
Usher syndrome type 1B (USH1B). Also called: Usher syndrome type IB. Identifiers: MedGen C1848638, MONDO:0700087.

Allele frequency attached by ClinVar (database versions not stated): gnomAD exomes 0.00001; TOPMed 0.00001; gnomAD 0.00003.
gnomAD v4.1: 15 of 1,613,868 alleles (0.00093%); highest among the groups gnomAD compares: Non-Finnish European, 0.0012%; no homozygotes.

Submissions (11):

PreventionGenetics, part of Exact Sciences
Classification: Pathogenic for MYO7A-related condition. Last evaluated: 2026-08-19. Review status: criteria provided, single submitter. Criteria: ACMG Guidelines, 2015. Collection method: clinical testing. Allele origin: germline.
Comment: The MYO7A c.6439-2A>G variant is predicted to disrupt the AG splice acceptor site and interfere with normal splicing. This variant has been reported in individuals with autosomal recessive non-syndromic hearing loss or Usher syndrome (for example, Mutai et al 2013. PubMed ID: 24164807; Table S1,Glöckle et al 2013. PubMed ID: 23591405; Neuhaus et al 2017. PubMed ID: 28944237). This variant is reported in 0.0065% of alleles in individuals of European (Non-Finnish) descent in gnomAD. Variants that disrupt the consensus splice acceptor site in MYO7A are expected to be pathogenic. This variant is interpreted as pathogenic.

Natera, Inc.
Classification: Pathogenic for Usher syndrome type 1B. Last evaluated: 2026-01-29. Review status: criteria provided, single submitter. Criteria: Natera Variant Classification Schema (03/2026). Collection method: clinical testing. Allele origin: germline.
Comment: The c.6439-2A>G variant in MYO7A is a canonical splice acceptor site variant predicted to affect pre-mRNA splicing, which may result in an abnormal transcript and altered protein product. This variant is expected to result in nonsense mediated decay, truncation, or a dysfunctional protein product. This variant is rare in the general population with a frequency below the threshold expected for the associated phenotype(s). This variant has been observed in one or more individuals affected with the associated recessive disease, as either homozygous or compound heterozygous with a second variant (PMID: 37446072, 28944237, 27743452, 25425308). Additionally, this variant has been observed to segregate in affected family members (PMID: 27743452). Given the available evidence, this variant is classified as Pathogenic.

Labcorp Genetics (formerly Invitae), Labcorp
Classification: Pathogenic. Last evaluated: 2025-01-03. Review status: criteria provided, single submitter. Criteria: Invitae Variant Classification Sherloc (09022015). Collection method: clinical testing. Allele origin: germline.
Comment: This sequence change affects an acceptor splice site in intron 47 of the MYO7A gene. It is expected to disrupt RNA splicing. Variants that disrupt the donor or acceptor splice site typically lead to a loss of protein function (PMID: 16199547), and loss-of-function variants in MYO7A are known to be pathogenic (PMID: 8900236, 25404053). This variant is present in population databases (rs397516330, gnomAD 0.007%). Disruption of this splice site has been observed in individual(s) with autosomal recessive deafness (PMID: 24164807). It has also been observed to segregate with disease in related individuals. ClinVar contains an entry for this variant (Variation ID: 43329). Algorithms developed to predict the effect of sequence changes on RNA splicing suggest that this variant may disrupt the consensus splice site. For these reasons, this variant has been classified as Pathogenic.

GeneDx
Classification: Likely pathogenic. Last evaluated: 2024-09-01. Review status: criteria provided, single submitter. Criteria: GeneDx Variant Classification Process June 2021. Collection method: clinical testing. Allele origin: germline. Affected: yes.
Comment: Observed multiple times with a pathogenic variant in unrelated patients with features of MYO7A-related Usher spectrum disorder in published literature, but it is not known whether the variants occurred on the same (in cis) or on different (in trans) chromosomes in some cases (PMID: 27743452); Canonical splice site variant predicted to result in an in-frame loss of the adjacent exon in a gene for which loss of function is a known mechanism of disease; Not observed at significant frequency in large population cohorts (gnomAD); This variant is associated with the following publications: (PMID: 31964843, 38219857, 23591405, 28944237, 27743452, 37734845, 36669873, 24164807)

Fulgent Genetics
Classification: Pathogenic for Usher syndrome type 1; Autosomal recessive nonsyndromic hearing loss 2; Autosomal dominant nonsyndromic hearing loss 11. Last evaluated: 2024-06-18. Review status: criteria provided, single submitter. Criteria: ACMG Guidelines, 2015. Collection method: clinical testing. Allele origin: germline.

Institute of Human Genetics, Univ. Regensburg, Univ. Regensburg
Classification: Pathogenic for Retinal dystrophy. Last evaluated: 2021-01-01. Review status: criteria provided, single submitter. Criteria: ACMG Guidelines, 2015. Collection method: clinical testing. Allele origin: germline. Affected: yes.

Institute of Medical Genetics and Applied Genomics, University Hospital Tübingen
Classification: Pathogenic. Last evaluated: 2020-10-23. Review status: criteria provided, single submitter. Criteria: ACMG Guidelines, 2015. Collection method: clinical testing. Allele origin: germline. Inheritance: Unknown mechanism. Affected: yes.

Blueprint Genetics
Classification: Pathogenic for MYO7A-related disorders. Last evaluated: 2020-06-12. Review status: criteria provided, single submitter. Criteria: ACMG Guidelines, 2015. Collection method: clinical testing. Allele origin: germline. Affected: yes. Observed: 3 variant alleles.

Illumina Laboratory Services, Illumina
Classification: Likely pathogenic for MYO7A-Related Disorders. Last evaluated: 2019-04-05. Review status: criteria provided, single submitter. Criteria: ICSL Variant Classification Criteria 09 May 2019. Collection method: clinical testing. Allele origin: germline.
Comment: The MYO7A c.6439-2A>G occurs in a canonical splice site (acceptor) and is therefore predicted to disrupt or distort the normal gene product. The c.6439-2A>G variant has been reported in three studies in which it was identified in a compound heterozygous state in four individuals with Usher syndrome, including in a pair of siblings (Glockle et al. 2014; Kletke et al. 2017; Neuhaus et al. 2017). Whether they later developed retinitis pigmentosa was not reported. In these individuals, each of the identified variants was shown to be inherited from an unaffected heterozygous parent, consistent with autosomal recessive inheritance. The c.6439-2A>G variant has not been reported in association with autosomal dominant hearing loss. It was absent from 192 normal hearing control individuals and is reported at a frequency of 0.000067 in the European (Non-Finnish) population of the Genome Aggregation Database. This frequency is based on one allele only in a region of good sequence coverage, suggesting the variant is rare. Functional studies of the c.6439-2A>G variant have not been reported, but it is predicted to result in aberrant splicing. Based on the collective evidence, the c.6439-2A>G variant is classified as likely pathogenic for MYO7A-related disorders.

Laboratory for Molecular Medicine, Mass General Brigham Personalized Medicine
Classification: Pathogenic for Rare genetic deafness. Last evaluated: 2011-07-07. Review status: criteria provided, single submitter. Criteria: LMM Criteria. Collection method: clinical testing. Allele origin: germline. Inheritance: Autosomal recessive inheritance. Observed: 3 variant alleles.
Comment: The 6439-2A>G variant in MYO7A has not been reported in the literature nor previ ously identified by our laboratory in any other families. The 6439-2A>G variant is predicted to cause abnormal splicing because the nucleotide substitution occu rs in the invariant region of the splice consensus sequence. In summary, this va riant meets our criteria to be classified as pathogenic.

Counsyl
Classification: Pathogenic for Usher syndrome type 1; Autosomal recessive nonsyndromic hearing loss 2. Last evaluated: 2017-01-05. Review status: no assertion criteria provided. Collection method: clinical testing. Allele origin: unknown. Not counted in ClinVar's aggregate classification.

Literature cited by the submitters: PubMed 37446072 (cited by Natera, Inc.); PubMed 28944237 (cited by 3 submitters); PubMed 27743452 (cited by 3 submitters); PubMed 25425308 (cited by Natera, Inc.); PubMed 16199547 (cited by Labcorp Genetics (formerly Invitae), Labcorp); PubMed 8900236 (cited by Labcorp Genetics (formerly Invitae), Labcorp); PubMed 25404053 (cited by Labcorp Genetics (formerly Invitae), Labcorp); PubMed 24164807 (cited by 4 submitters); PubMed 23591405 (cited by 3 submitters); PubMed 31964843 (cited by Institute of Human Genetics, Univ. Regensburg, Univ. Regensburg).